The following is an entry in ClinVar:

NM_003000.3(SDHB):c.671A>G (p.Asp224Gly)

Gene: SDHB (succinate dehydrogenase complex iron sulfur subunit B; minus strand). Cytogenetic location: 1p36.13.
Variant type: single nucleotide variant.
Coding change: c.671A>G on transcript NM_003000.3 (MANE Select); coding-DNA position 671, A replaced by G.
Protein change: p.Asp224Gly; replaces aspartic acid 224 with glycine.
Molecular consequence: missense variant.
Genome position (GRCh38, 1-based): chr1:17,022,702, T>C on the plus strand (A>G on the coding strand, the complement: SDHB is on the minus strand). VCF-style: chr1-17022702-T-C. GRCh37 (hg19) VCF-style: chr1-17349197-T-C.
Other names: c.617A>G, p.Asp206Gly (NM_001407361.1); short protein forms D206G, D224G.
Identifiers: ClinVar variation 3793581 (VCV003793581.2).

ClinVar aggregate classification (germline): Uncertain significance (1 of 4 stars; one submission).

Conditions:
Hereditary cancer-predisposing syndrome. Also called: Hereditary Cancer Syndrome; Hereditary neoplastic syndrome; Neoplastic Syndromes, Hereditary; Tumor predisposition. Identifiers: Orphanet 140162, MedGen C0027672, MeSH D009386, MONDO:0015356.

Submission:

Ambry Genetics
Classification: Uncertain significance for Hereditary cancer-predisposing syndrome. Last evaluated: 2026-04-16. Review status: criteria provided, single submitter. Criteria: Ambry Variant Classification Scheme 2023. Collection method: clinical testing. Allele origin: germline.
Comment: The p.D224G variant (also known as c.671A>G), located in coding exon 7 of the SDHB gene, results from an A to G substitution at nucleotide position 671. The aspartic acid at codon 224 is replaced by glycine, an amino acid with similar properties. This amino acid position is highly conserved in available vertebrate species. In addition, this alteration is predicted to be deleterious by in silico analysis. Based on the available evidence, the clinical significance of this variant remains unclear.